The following is an entry in ClinVar:

ClinVar aggregate classification (germline): Likely benign (0 of 4 stars; one submission).

Conditions:
PRR12-related disorder. Also called: PRR12-related condition.

gnomAD v4.1: 41 of 1,551,290 alleles (0.0026%); highest among the groups gnomAD compares: Non-Finnish European, 0.0033%; no homozygotes.

Submission:

PreventionGenetics, part of Exact Sciences
Classification: Likely benign for PRR12-related condition. Last evaluated: 2024-07-24. Review status: no assertion criteria provided. Collection method: clinical testing. Allele origin: germline.
Comment: This variant is classified as likely benign based on ACMG/AMP sequence variant interpretation guidelines (Richards et al. 2015 PMID: 25741868, with internal and published modifications).

NM_020719.3(PRR12):c.2577G>T (p.Leu859=)

Gene: PRR12 (proline rich 12; plus strand). Cytogenetic location: 19q13.33.
Variant type: single nucleotide variant.
Coding change: c.2577G>T on transcript NM_020719.3 (MANE Select); coding-DNA position 2577, G replaced by T.
Protein change: p.Leu859=; no amino-acid change (leucine 859 retained).
Molecular consequence: synonymous variant.
Genome position (GRCh38, 1-based): chr19:49,596,912, G>T. VCF-style: chr19-49596912-G-T. GRCh37 (hg19) VCF-style: chr19-50100169-G-T.
Identifiers: ClinVar variation 3351234 (VCV003351234.1).
Genomic context (GRCh38, chr19:49,596,912, plus strand): 5'-ACCCCCGCCTCCACCACCCATGCCCCTGCAGCTCGAGGCCCACCTCCGCAGCCATGGCCT[G>T]GAGCCCGCGGCCCCCAGCCCCCGCCTGCGACCCGAGGAGAGCCTGGATCCGCCAGGCGCC-3'
Protein context (NP_065770.1, residues 849-869): QLEAHLRSHG[Leu859=]EPAAPSPRLR